The following is an entry in ClinVar:

NM_001100.4(ACTA1):c.389A>G (p.Asn130Ser)

Gene: ACTA1 (actin alpha 1, skeletal muscle; minus strand). Cytogenetic location: 1q42.13.
Variant type: single nucleotide variant.
Coding change: c.389A>G on transcript NM_001100.4 (MANE Select); coding-DNA position 389, A replaced by G.
Protein change: p.Asn130Ser; replaces asparagine 130 with serine.
Molecular consequence: missense variant.
Genome position (GRCh38, 1-based): chr1:229,432,621, T>C on the plus strand (A>G on the coding strand, the complement: ACTA1 is on the minus strand). VCF-style: chr1-229432621-T-C. GRCh37 (hg19) VCF-style: chr1-229568368-T-C.
Other names: short protein forms N130S.
Identifiers: ClinVar variation 464121 (VCV000464121.12), dbSNP rs766934634, ClinGen allele CA1442889.

ClinVar aggregate classification (germline): Uncertain significance. Review status: criteria provided, multiple submitters, no conflicts (2 of 4 stars). 4 submissions from 4 submitters: Uncertain significance (4). Last evaluated 2026-04-21.

Conditions:
Alpha-actinopathy. Also called: Actinopathy. Identifiers: MedGen CN295279, MONDO:0100084.
Actin accumulation myopathy (CMYO2A). Also called: Myopathy, actin, congenital, with cores; Nemaline myopathy 3, with intranuclear rods; CONGENITAL MYOPATHY 2A, TYPICAL, AUTOSOMAL DOMINANT; Nemaline myopathy type 3; Myopathy, actin, congenital, with excess of thin myofilaments. Identifiers: Orphanet 98904, MedGen C3711389, MONDO:0008070, OMIM 161800.

Allele frequency attached by ClinVar (database versions not stated): ExAC 0.00001; gnomAD exomes 0.00001 and 0.00009; gnomAD 0.00002; TOPMed 0.00004.
gnomAD v4.1: 133 of 1,613,644 alleles (0.0082%); highest among the groups gnomAD compares: Non-Finnish European, 0.011%; no homozygotes.

Submissions (4):

Women's Health and Genetics/Laboratory Corporation of America, LabCorp
Classification: Uncertain significance. Last evaluated: 2026-04-21. Review status: criteria provided, single submitter. Criteria: LabCorp Variant Classification Summary - May 2015. Collection method: clinical testing. Allele origin: germline.
Comment: Variant summary: ACTA1 c.389A>G (p.Asn130Ser) results in a conservative amino acid change in the encoded protein sequence. Algorithms developed to predict the effect of missense changes on protein structure and function are either unavailable or do not agree on the potential impact of this missense change. The variant allele was found at a frequency of 1.2e-05 in 251232 control chromosomes. The available data on variant occurrences in the general population are insufficient to allow any conclusion about variant significance. To our knowledge, no occurrence of c.389A>G in individuals affected with ACTA1-related conditions and no experimental evidence demonstrating its impact on protein function have been reported. ClinVar contains an entry for this variant (Variation ID: 464121). Based on the evidence outlined above, the variant was classified as uncertain significance.

Labcorp Genetics (formerly Invitae), Labcorp
Classification: Uncertain significance for Actin accumulation myopathy. Last evaluated: 2025-10-02. Review status: criteria provided, single submitter. Criteria: Invitae Variant Classification Sherloc (09022015). Collection method: clinical testing. Allele origin: germline.
Comment: This sequence change replaces asparagine, which is neutral and polar, with serine, which is neutral and polar, at codon 130 of the ACTA1 protein (p.Asn130Ser). This variant is present in population databases (rs766934634, gnomAD 0.008%). This variant has not been reported in the literature in individuals affected with ACTA1-related conditions. ClinVar contains an entry for this variant (Variation ID: 464121). Invitae Evidence Modeling of protein sequence and biophysical properties (such as structural, functional, and spatial information, amino acid conservation, physicochemical variation, residue mobility, and thermodynamic stability) indicates that this missense variant is not expected to disrupt ACTA1 protein function with a negative predictive value of 80%. In summary, the available evidence is currently insufficient to determine the role of this variant in disease. Therefore, it has been classified as a Variant of Uncertain Significance.

Molecular Genetics, Royal Melbourne Hospital
Classification: Uncertain significance for Alpha-actinopathy. Last evaluated: 2023-03-30. Review status: criteria provided, single submitter. Criteria: ACMG Guidelines, 2015. Collection method: clinical testing. Allele origin: germline.
Comment: This sequence change in ACTA1 is predicted to replace asparagine with serine at codon 130, p.(Asn130Ser). The asparagine residue is highly conserved (100 vertebrates, UCSC), and is not located in an annotated domain. There is a small physicochemical difference between asparagine and serine. ACTA1, in which the variant was identified, is a gene that has a low rate of benign missense variation and where pathogenic missense variants are a common mechanism of disease (gnomAD v2.1). The highest population minor allele frequency in gnomAD v2.1 is 0.008% (2/24,844 alleles) in the African/African American population. To our knowledge, this variant has not been reported in the literature in any individuals with ACTA1-related disorders. It has been reported as a variant of uncertain significance (ClinVar ID: 464121). Multiple lines of computational evidence predict a deleterious effect for the missense substitution (5/6 algorithms). Based on the classification scheme RMH Modified ACMG Guidelines v1.4.0, this variant is classified as a VARIANT OF UNCERTAIN SIGNIFICANCE. Following criteria are met: PP2, PP3.

Revvity Omics, Revvity
Classification: Uncertain significance. Last evaluated: 2019-05-12. Review status: criteria provided, single submitter. Criteria: ACMG Guidelines, 2015. Collection method: clinical testing. Allele origin: germline.